The following is an entry in ClinVar:

NM_020975.6(RET):c.1861G>C (p.Glu621Gln)

Gene: RET (ret proto-oncogene; plus strand). Cytogenetic location: 10q11.21.
Variant type: single nucleotide variant.
Coding change: c.1861G>C on transcript NM_020975.6 (MANE Select); coding-DNA position 1861, G replaced by C.
Protein change: p.Glu621Gln; replaces glutamic acid 621 with glutamine.
Molecular consequence: missense variant. On other transcripts: intron variant (2).
Genome position (GRCh38, 1-based): chr10:43,113,657, G>C. VCF-style: chr10-43113657-G-C. GRCh37 (hg19) VCF-style: chr10-43609105-G-C.
Other names: c.1099G>C, p.Glu367Gln (NM_001355216.2); c.1861G>C, p.Glu621Gln (NM_001406743.1, NM_001406744.1, NM_001406759.1 and 4 more transcripts); c.1732G>C, p.Glu578Gln (NM_001406761.1, NM_001406762.1, NM_001406764.1 and 1 more transcripts); c.1573G>C, p.Glu525Gln (NM_001406770.1, NM_001406766.1, NM_001406767.1); c.1423G>C, p.Glu475Gln (NM_001406771.1, NM_001406773.1); c.1465G>C, p.Glu489Gln (NM_001406772.1, NM_001406769.1); c.1336G>C, p.Glu446Gln (NM_001406774.1); c.1135G>C, p.Glu379Gln (NM_001406775.1, NM_001406776.1, NM_001406777.1 and 1 more transcripts); and 7 more; short protein forms E322Q, E379Q, E621Q, E138Q, E279Q, E291Q, E446Q, E475Q.
Identifiers: ClinVar variation 5028173 (VCV005028173.1).

ClinVar aggregate classification (germline): Uncertain significance (1 of 4 stars; one submission).

Conditions:
Hereditary cancer-predisposing syndrome. Also called: Neoplastic Syndromes, Hereditary; Tumor predisposition; Hereditary neoplastic syndrome; Hereditary Cancer Syndrome. Identifiers: Orphanet 140162, MedGen C0027672, MeSH D009386, MONDO:0015356.

Submission:

Ambry Genetics
Classification: Uncertain significance for Hereditary cancer-predisposing syndrome. Last evaluated: 2026-07-06. Review status: criteria provided, single submitter. Criteria: Ambry Variant Classification Scheme 2023. Collection method: clinical testing. Allele origin: germline.
Comment: The p.E621Q variant (also known as c.1861G>C), located in coding exon 10 of the RET gene, results from a G to C substitution at nucleotide position 1861. The glutamic acid at codon 621 is replaced by glutamine, an amino acid with highly similar properties. This amino acid position is conserved. In addition, this alteration is predicted to be deleterious by in silico analysis. Based on the available evidence, the clinical significance of this variant remains unclear.